The following is an entry in ClinVar:

NM_001082486.2(ACD):c.819C>T (p.Pro273=)

Gene: ACD (ACD shelterin complex subunit and telomerase recruitment factor; minus strand). Cytogenetic location: 16q22.1.
Variant type: single nucleotide variant.
Coding change: c.819C>T on transcript NM_001082486.2 (MANE Select); coding-DNA position 819, C replaced by T.
Protein change: p.Pro273=; no amino-acid change (proline 273 retained).
Molecular consequence: synonymous variant.
Genome position (GRCh38, 1-based): chr16:67,658,565, G>A on the plus strand (C>T on the coding strand, the complement: ACD is on the minus strand). VCF-style: chr16-67658565-G-A. GRCh37 (hg19) VCF-style: chr16-67692468-G-A.
Other names: c.810C>T, p.Pro270= (NM_022914.3); c.819C>T, p.Pro273= (LRG_1237t1).
Identifiers: ClinVar variation 542418 (VCV000542418.34), dbSNP rs138740815, ClinGen allele CA8114523.

ClinVar aggregate classification (germline): Benign/Likely benign. Review status: criteria provided, multiple submitters, no conflicts (2 of 4 stars). 7 submissions from 7 submitters: Benign (2); Likely benign (5). Last evaluated 2026-08-01.

Conditions:
Inborn genetic diseases. Identifiers: MedGen C0950123, MeSH D030342.
Dyskeratosis congenita, autosomal dominant 6 (DKCA6). Identifiers: Orphanet 3322, MedGen C4225284, MONDO:0014690, OMIM 616553.

Allele frequency attached by ClinVar (database versions not stated): gnomAD exomes 0.00041 and 0.00081; ExAC 0.00073; ESP Exome Variant Server 0.00169; 1000 Genomes Project 30x 0.00203; 1000 Genomes Project 0.00220; TOPMed 0.00227; gnomAD 0.00237 and 0.00251.

Submissions (7):

CeGaT Center for Human Genetics Tuebingen
Classification: Likely benign. Last evaluated: 2026-08-01. Review status: criteria provided, single submitter. Criteria: CeGaT Center For Human Genetics Tuebingen Variant Classification Criteria Version 2. Collection method: clinical testing. Allele origin: germline. Affected: yes. Observed: 2 variant alleles.
Comment: ACD: BP4, BP7

Labcorp Genetics (formerly Invitae), Labcorp
Classification: Benign for Dyskeratosis congenita, autosomal dominant 6. Last evaluated: 2026-01-26. Review status: criteria provided, single submitter. Criteria: Invitae Variant Classification Sherloc (09022015). Collection method: clinical testing. Allele origin: germline.

Center for Genomic Medicine, Rigshospitalet, Copenhagen University Hospital
Classification: Likely benign. Last evaluated: 2025-03-04. Review status: criteria provided, single submitter. Criteria: ACMG Guidelines, 2015. Collection method: clinical testing. Allele origin: germline.

Blueprint Genetics
Classification: Likely benign. Last evaluated: 2024-09-19. Review status: criteria provided, single submitter. Criteria: ACMG Guidelines, 2015. Collection method: clinical testing. Allele origin: germline.

Ambry Genetics
Classification: Likely benign for Inborn genetic diseases. Last evaluated: 2022-02-12. Review status: criteria provided, single submitter. Criteria: Ambry Variant Classification Scheme 2023. Collection method: clinical testing. Allele origin: germline.

Genome-Nilou Lab
Classification: Benign for Dyskeratosis congenita, autosomal dominant 6. Last evaluated: 2021-12-05. Review status: criteria provided, single submitter. Criteria: ACMG Guidelines, 2015. Collection method: clinical testing. Allele origin: germline. Affected: no.

Genetic Services Laboratory, University of Chicago
Classification: Likely benign. Last evaluated: 2019-01-03. Review status: criteria provided, single submitter. Criteria: ACMG Guidelines, 2015. Collection method: clinical testing. Allele origin: germline. Affected: no.